The following is an entry in ClinVar:

NM_004958.4(MTOR):c.4841T>C (p.Ile1614Thr)

Genes: MTOR (mechanistic target of rapamycin kinase; minus strand), MTOR-AS1 (MTOR antisense RNA 1; plus strand). Cytogenetic location: 1p36.22.
Variant type: single nucleotide variant.
Coding change: c.4841T>C on transcript NM_004958.4 (MANE Select); coding-DNA position 4841, T replaced by C.
Protein change: p.Ile1614Thr; replaces isoleucine 1614 with threonine.
Molecular consequence: missense variant. On other transcripts: non-coding transcript variant (1).
Genome position (GRCh38, 1-based): chr1:11,144,679, A>G on the plus strand (T>C on the coding strand, the complement: MTOR is on the minus strand). VCF-style: chr1-11144679-A-G. GRCh37 (hg19) VCF-style: chr1-11204736-A-G.
Other names: c.4841T>C (LRG_734t1); short protein forms I1614T.
Identifiers: ClinVar variation 642819 (VCV000642819.19), dbSNP rs56299586, ClinGen allele CA589535.
Genomic context (GRCh38, chr1:11,144,679, plus strand): 5'-GGTGAACTGGGGCTTTCTACCAAGCTCACCTGCAGTCTCTCCCACCAGATCTGGCGGATG[A>G]TCTCTCGTCGCTCGGGGACAAGTTTGTACTGGATAACCTCCTCCAGCTCGGACAGCATGT-3'
Protein context (NP_004949.1, residues 1604-1624): QYKLVPERRE[Ile1614Thr]IRQIWWERLQ

ClinVar aggregate classification (germline): Benign/Likely benign. Review status: criteria provided, multiple submitters, no conflicts (2 of 4 stars). 5 submissions from 5 submitters: Benign (1); Likely benign (3). 1 of the submissions does not count toward it. Last evaluated 2026-05-01.

Conditions:
Inborn genetic diseases. Identifiers: MedGen C0950123, MeSH D030342.
MTOR-related disorder. Also called: MTOR-related condition.

Allele frequency attached by ClinVar (database versions not stated): TOPMed 0.00014; gnomAD 0.00015 and 0.00016; 1000 Genomes Project 30x 0.00016; gnomAD exomes 0.00018 and 0.00042; 1000 Genomes Project 0.00020; ExAC 0.00026; ESP Exome Variant Server 0.00031.
gnomAD v4.1: 618 of 1,614,078 alleles (0.038%); highest among the groups gnomAD compares: Non-Finnish European, 0.05%; 1 homozygote.

Submissions (5):

CeGaT Center for Human Genetics Tuebingen
Classification: Likely benign. Last evaluated: 2026-05-01. Review status: criteria provided, single submitter. Criteria: CeGaT Center For Human Genetics Tuebingen Variant Classification Criteria Version 2. Collection method: clinical testing. Allele origin: germline. Affected: yes. Observed: 2 variant alleles.
Comment: MTOR: PP2, BS2

Labcorp Genetics (formerly Invitae), Labcorp
Classification: Benign. Last evaluated: 2026-01-13. Review status: criteria provided, single submitter. Criteria: Invitae Variant Classification Sherloc (09022015). Collection method: clinical testing. Allele origin: germline.

Blueprint Genetics
Classification: Likely benign. Last evaluated: 2024-10-14. Review status: criteria provided, single submitter. Criteria: ACMG Guidelines, 2015. Collection method: clinical testing. Allele origin: germline.

Ambry Genetics
Classification: Likely benign for Inborn genetic diseases. Last evaluated: 2021-12-23. Review status: criteria provided, single submitter. Criteria: Ambry Variant Classification Scheme 2023. Collection method: clinical testing. Allele origin: germline.

PreventionGenetics, part of Exact Sciences
Classification: Likely benign for MTOR-related condition. Last evaluated: 2022-04-06. Review status: no assertion criteria provided. Collection method: clinical testing. Allele origin: germline. Not counted in ClinVar's aggregate classification.
Comment: This variant is classified as likely benign based on ACMG/AMP sequence variant interpretation guidelines (Richards et al. 2015 PMID: 25741868, with internal and published modifications).